The following is an entry in ClinVar:

NM_001170629.2(CHD8):c.7623_7625del (p.Asp2541del)

Gene: CHD8 (chromodomain helicase DNA binding protein 8; minus strand). Cytogenetic location: 14q11.2.
Variant type: Deletion.
Coding change: c.7623_7625del on transcript NM_001170629.2 (MANE Select); coding-DNA positions 7623 to 7625, 3 bases deleted (TGA; older notation c.7623_7625delTGA).
Protein change: p.Asp2541del; deletes aspartic acid 2541.
Molecular consequence: inframe deletion.
Genome position (GRCh38, 1-based): chr14:21,385,734-21,385,736, TCA deleted on the plus strand (TGA on the coding strand, the reverse complement: CHD8 is on the minus strand); deleting any 3 consecutive bases within chr14:21,385,734-21,385,738 gives the same sequence; the c. name uses the placement nearest the transcript's 3' end. VCF-style (leftmost placement, unchanged base first): chr14-21385733-CTCA-C. GRCh37 (hg19) VCF-style: chr14-21853892-CTCA-C.
Other names: c.6786_6788del, p.Asp2262del (NM_020920.4); short protein forms D2262del, D2541del.
Identifiers: ClinVar variation 4693995 (VCV004693995.1).

ClinVar aggregate classification (germline): Uncertain significance (1 of 4 stars; one submission).

Submission:

Labcorp Genetics (formerly Invitae), Labcorp
Classification: Uncertain significance. Last evaluated: 2025-05-28. Review status: criteria provided, single submitter. Criteria: Invitae Variant Classification Sherloc (09022015). Collection method: clinical testing. Allele origin: germline.
Comment: This variant, c.7623_7625del, results in the deletion of 1 amino acid(s) of the CHD8 protein (p.Asp2541del), but otherwise preserves the integrity of the reading frame. This variant is not present in population databases (gnomAD no frequency). This variant has not been reported in the literature in individuals affected with CHD8-related conditions. Experimental studies and prediction algorithms are not available or were not evaluated, and the functional significance of this variant is currently unknown. In summary, the available evidence is currently insufficient to determine the role of this variant in disease. Therefore, it has been classified as a Variant of Uncertain Significance.